The following is an entry in ClinVar:

ClinVar aggregate classification (germline): Uncertain significance (1 of 4 stars; one submission).

Submission:

Foulkes Cancer Genetics LDI, Lady Davis Institute for Medical Research
Classification: Uncertain significance. Last evaluated: 2019-07-01. Review status: criteria provided, single submitter. Criteria: ACMG Guidelines, 2015. Collection method: curation. Allele origin: somatic. Affected: yes. Observed: 1 variant allele.
Comment: ACMG criteria met: PM1, PM2, PP3, BP1

Literature cited by the submitters: PubMed 30266945.

NM_177438.3(DICER1):c.2627A>C (p.Tyr876Ser)

Gene: DICER1 (dicer 1, ribonuclease III; minus strand). Cytogenetic location: 14q32.13.
Variant type: single nucleotide variant.
Coding change: c.2627A>C on transcript NM_177438.3 (MANE Select); coding-DNA position 2627, A replaced by C.
Protein change: p.Tyr876Ser; replaces tyrosine 876 with serine.
Molecular consequence: missense variant.
Genome position (GRCh38, 1-based): chr14:95,107,903, T>G on the plus strand (A>C on the coding strand, the complement: DICER1 is on the minus strand). VCF-style: chr14-95107903-T-G. GRCh37 (hg19) VCF-style: chr14-95574240-T-G.
Other names: c.2627A>C, p.Tyr876Ser (NM_001195573.1, NM_001271282.3, NM_001291628.2 and 1 more transcripts); short protein forms Y876S.
Identifiers: ClinVar variation 933058 (VCV000933058.2), dbSNP rs1165182865, ClinGen allele CA390881226.
Genomic context (GRCh38, chr14:95,107,903, plus strand): 5'-TGTCTAGAGTTATCAAAGTAAGAGATTTTTTTCTTACCAACATTAAGAGGTAGAACACAG[T>G]ATGCTGAATCAGCGTCTGTAGGTTTAAATTCTAGTGCAGGTTTTTCAAGCCGAAGAATAT-3'
Protein context (NP_803187.1, residues 866-886): EFKPTDADSA[Tyr876Ser]CVLPLNVVND